The following is an entry in ClinVar:

NM_001042492.3(NF1):c.7966del (p.Val2656fs)

Gene: NF1 (neurofibromin 1; plus strand). Cytogenetic location: 17q11.2.
Variant type: Deletion.
Coding change: c.7966del on transcript NM_001042492.3 (MANE Select); coding-DNA position 7966, one base deleted (G; older notation c.7966delG).
Protein change: p.Val2656fs; shifts the reading frame from valine 2656.
Molecular consequence: frameshift variant.
Genome position (GRCh38, 1-based): chr17:31,357,365, G deleted. VCF-style (leftmost placement, unchanged base first): chr17-31357364-TG-T. GRCh37 (hg19) VCF-style: chr17-29684382-TG-T.
Other names: c.7903del, p.Val2635fs (NM_000267.4); short protein forms V2635fs, V2656fs.
Identifiers: ClinVar variation 4732540 (VCV004732540.1).

ClinVar aggregate classification (germline): Pathogenic (1 of 4 stars; one submission).

Conditions:
Neurofibromatosis, type 1 (NF1). Also called: VON RECKLINGHAUSEN DISEASE; Peripheral type neurofibromatosis; NEUROFIBROMATOSIS, TYPE I, SOMATIC; Neurofibromatosis, type I. Identifiers: Orphanet 636, MedGen C0027831, MONDO:0018975, OMIM 162200. Disease mechanism: loss of function.

Submission:

Labcorp Genetics (formerly Invitae), Labcorp
Classification: Pathogenic for Neurofibromatosis, type 1. Last evaluated: 2025-12-07. Review status: criteria provided, single submitter. Criteria: Invitae Variant Classification Sherloc (09022015). Collection method: clinical testing. Allele origin: germline.
Comment: This sequence change creates a premature translational stop signal (p.Val2635Leufs*23) in the NF1 gene. It is expected to result in an absent or disrupted protein product. Loss-of-function variants in NF1 are known to be pathogenic (PMID: 10712197, 23913538). This variant is not present in population databases (gnomAD no frequency). This variant has not been reported in the literature in individuals affected with NF1-related conditions. For these reasons, this variant has been classified as Pathogenic.

Literature cited by the submitters: PubMed 10712197; PubMed 23913538.